The following is an entry in ClinVar:

ClinVar aggregate classification (germline): Uncertain significance (1 of 4 stars; one submission).

Conditions:
Charcot-Marie-Tooth disease axonal type 2O. Also called: CHARCOT-MARIE-TOOTH NEUROPATHY, AXONAL, TYPE 2O; CHARCOT-MARIE-TOOTH DISEASE, AXONAL, AUTOSOMAL DOMINANT, TYPE 2O; Charcot-Marie-Tooth Neuropathy Type 2O; Charcot-Marie-Tooth disease, axonal, type 20. Identifiers: Orphanet 284232, MedGen C3280220, MONDO:0013644, OMIM 614228.

Submission:

Labcorp Genetics (formerly Invitae), Labcorp
Classification: Uncertain significance for Charcot-Marie-Tooth disease axonal type 2O. Last evaluated: 2022-12-14. Review status: criteria provided, single submitter. Criteria: Invitae Variant Classification Sherloc (09022015). Collection method: clinical testing. Allele origin: germline.
Comment: In summary, the available evidence is currently insufficient to determine the role of this variant in disease. Therefore, it has been classified as a Variant of Uncertain Significance. Advanced modeling of protein sequence and biophysical properties (such as structural, functional, and spatial information, amino acid conservation, physicochemical variation, residue mobility, and thermodynamic stability) performed at Invitae indicates that this missense variant is not expected to disrupt DYNC1H1 protein function. This sequence change replaces proline, which is neutral and non-polar, with threonine, which is neutral and polar, at codon 130 of the DYNC1H1 protein (p.Pro130Thr). This variant is not present in population databases (gnomAD no frequency). This variant has not been reported in the literature in individuals affected with DYNC1H1-related conditions.

NM_001376.5(DYNC1H1):c.388C>A (p.Pro130Thr)

Gene: DYNC1H1 (dynein cytoplasmic 1 heavy chain 1; plus strand). Cytogenetic location: 14q32.31.
Variant type: single nucleotide variant.
Coding change: c.388C>A on transcript NM_001376.5 (MANE Select); coding-DNA position 388, C replaced by A.
Protein change: p.Pro130Thr; replaces proline 130 with threonine.
Molecular consequence: missense variant.
Genome position (GRCh38, 1-based): chr14:101,979,362, C>A. VCF-style: chr14-101979362-C-A. GRCh37 (hg19) VCF-style: chr14-102445699-C-A.
Other names: short protein forms P130T.
Identifiers: ClinVar variation 2792798 (VCV002792798.3), dbSNP rs2503677896, ClinGen allele CA391007392.